The following is an entry in ClinVar:

NM_017780.4(CHD7):c.8407A>G (p.Met2803Val)

Gene: CHD7 (chromodomain helicase DNA binding protein 7; plus strand). Cytogenetic location: 8q12.2.
Variant type: single nucleotide variant.
Coding change: c.8407A>G on transcript NM_017780.4 (MANE Select); coding-DNA position 8407, A replaced by G.
Protein change: p.Met2803Val; replaces methionine 2803 with valine.
Molecular consequence: missense variant.
Genome position (GRCh38, 1-based): chr8:60,865,346, A>G. VCF-style: chr8-60865346-A-G. GRCh37 (hg19) VCF-style: chr8-61777905-A-G.
Other names: c.2260A>G, p.Met754Val (NM_001316690.1); short protein forms M2803V, M754V.
Identifiers: ClinVar variation 1509050 (VCV001509050.8), dbSNP rs2129762926, ClinGen allele CA371309027.

ClinVar aggregate classification (germline): Uncertain significance (1 of 4 stars; one submission).

Conditions:
CHARGE syndrome (CHARGE). Also called: Coloboma, heart anomaly, choanal atresia, retardation, genital and ear anomalies; CHARGE association; Hall-Hittner syndrome; Hittner Hirsch Kreh syndrome; CHARGE ASSOCIATION--COLOBOMA, HEART ANOMALY, CHOANAL ATRESIA, RETARDATION, GENITAL AND EAR ANOMALIES. Identifiers: Orphanet 138, MedGen C0265354, MONDO:0008965.

Submission:

Labcorp Genetics (formerly Invitae), Labcorp
Classification: Uncertain significance for CHARGE syndrome. Last evaluated: 2024-11-02. Review status: criteria provided, single submitter. Criteria: Invitae Variant Classification Sherloc (09022015). Collection method: clinical testing. Allele origin: germline.
Comment: This sequence change replaces methionine, which is neutral and non-polar, with valine, which is neutral and non-polar, at codon 2803 of the CHD7 protein (p.Met2803Val). This variant is not present in population databases (gnomAD no frequency). This variant has not been reported in the literature in individuals affected with CHD7-related conditions. ClinVar contains an entry for this variant (Variation ID: 1509050). Invitae Evidence Modeling of protein sequence and biophysical properties (such as structural, functional, and spatial information, amino acid conservation, physicochemical variation, residue mobility, and thermodynamic stability) indicates that this missense variant is not expected to disrupt CHD7 protein function with a negative predictive value of 95%. In summary, the available evidence is currently insufficient to determine the role of this variant in disease. Therefore, it has been classified as a Variant of Uncertain Significance.